The following is an entry in ClinVar:

ClinVar aggregate classification (germline): Likely pathogenic (1 of 4 stars; one submission).

Conditions:
Developmental and epileptic encephalopathy, 2 (DEE2). Also called: INFANTILE SPASM SYNDROME, X-LINKED 2; CDKL5 deficiency disorder. Identifiers: Orphanet 1934, Orphanet 3451, Orphanet 505652, MedGen C4750718, MONDO:0010396, OMIM 300672.
Angelman syndrome-like. Identifiers: MedGen CN128785.

Submission:

Labcorp Genetics (formerly Invitae), Labcorp
Classification: Likely pathogenic for Developmental and epileptic encephalopathy, 2; Angelman syndrome-like. Last evaluated: 2019-04-30. Review status: criteria provided, single submitter. Criteria: Invitae Variant Classification Sherloc (09022015). Collection method: clinical testing. Allele origin: germline.
Comment: In summary, the currently available evidence indicates that the variant is pathogenic, but additional data are needed to prove that conclusively. Therefore, this variant has been classified as Likely Pathogenic. Algorithms developed to predict the effect of missense changes on protein structure and function (SIFT, PolyPhen-2, Align-GVGD) all suggest that this variant is likely to be disruptive, but these predictions have not been confirmed by published functional studies and their clinical significance is uncertain. This variant is not present in population databases (ExAC no frequency). This sequence change replaces glutamic acid with glycine at codon 203 of the CDKL5 protein (p.Glu203Gly). The glutamic acid residue is highly conserved and there is a moderate physicochemical difference between glutamic acid and glycine.

NM_001323289.2(CDKL5):c.608A>G (p.Glu203Gly)

Gene: CDKL5 (cyclin dependent kinase like 5; plus strand). Cytogenetic location: Xp22.13.
Variant type: single nucleotide variant.
Coding change: c.608A>G on transcript NM_001323289.2 (MANE Select); coding-DNA position 608, A replaced by G.
Protein change: p.Glu203Gly; replaces glutamic acid 203 with glycine.
Molecular consequence: missense variant.
Genome position (GRCh38, 1-based): chrX:18,588,007, A>G. VCF-style: chrX-18588007-A-G. GRCh37 (hg19) VCF-style: chrX-18606127-A-G.
Other names: c.608A>G, p.Glu203Gly (NM_001037343.2, NM_003159.3); short protein forms E203G.
Identifiers: ClinVar variation 839936 (VCV000839936.10), dbSNP rs1925697823, ClinGen allele CA412353240.